The following is an entry in ClinVar:

ClinVar aggregate classification (germline): Uncertain significance (1 of 4 stars; one submission).

Conditions:
Inborn genetic diseases. Identifiers: MedGen C0950123, MeSH D030342.

Submission:

Ambry Genetics
Classification: Uncertain significance for Inborn genetic diseases. Last evaluated: 2026-07-28. Review status: criteria provided, single submitter. Criteria: Ambry Variant Classification Scheme 2023. Collection method: clinical testing. Allele origin: germline.
Comment: The p.P235L variant (also known as c.704C>T), located in coding exon 1 of the CEBPA gene, results from a C to T substitution at nucleotide position 704. The proline at codon 235 is replaced by leucine, an amino acid with similar properties. This amino acid position is conserved. In addition, this alteration is predicted to be tolerated by in silico analysis. Based on the available evidence, the clinical significance of this variant remains unclear.

NM_004364.5(CEBPA):c.704C>T (p.Pro235Leu)

Gene: CEBPA (CCAAT enhancer binding protein alpha; minus strand). Cytogenetic location: 19q13.11.
Variant type: single nucleotide variant.
Coding change: c.704C>T on transcript NM_004364.5 (MANE Select); coding-DNA position 704, C replaced by T.
Protein change: p.Pro235Leu; replaces proline 235 with leucine.
Molecular consequence: missense variant.
Genome position (GRCh38, 1-based): chr19:33,301,711, G>A on the plus strand (C>T on the coding strand, the complement: CEBPA is on the minus strand). VCF-style: chr19-33301711-G-A. GRCh37 (hg19) VCF-style: chr19-33792617-G-A.
Other names: c.347C>T, p.Pro116Leu (NM_001285829.2); c.809C>T, p.Pro270Leu (NM_001287424.2); c.662C>T, p.Pro221Leu (NM_001287435.2); short protein forms P116L, P235L, P221L, P270L.
Identifiers: ClinVar variation 5034305 (VCV005034305.1).